The following is an entry in ClinVar:

ClinVar aggregate classification (germline): Pathogenic. Review status: criteria provided, multiple submitters, no conflicts (2 of 4 stars). 3 submissions from 3 submitters: Pathogenic (2). 1 of the submissions does not count toward it. Last evaluated 2025-09-19.

Conditions:
Birt-Hogg-Dube syndrome 1 (BHD1). Also called: FIBROFOLLICULOMAS WITH TRICHODISCOMAS AND ACROCHORDONS. Identifiers: Orphanet 122, MedGen CN375946, MONDO:0800445, OMIM 135150.
Birt-Hogg-Dube syndrome. Also called: Birt Hogg Dubé syndrome. Identifiers: Orphanet 122, MedGen C0346010, MONDO:0800444.

Submissions (3):

Myriad Genetics, Inc.
Classification: Pathogenic for Birt-Hogg-Dube syndrome 1. Last evaluated: 2025-09-19. Review status: criteria provided, single submitter. Criteria: Myriad Autosomal Dominant, Autosomal Recessive and X-Linked Classification Criteria (2023). Collection method: clinical testing. Allele origin: unknown.
Comment: This variant is considered pathogenic. This variant creates a frameshift predicted to result in premature protein truncation.

Labcorp Genetics (formerly Invitae), Labcorp
Classification: Pathogenic for Birt-Hogg-Dube syndrome. Last evaluated: 2025-04-10. Review status: criteria provided, single submitter. Criteria: Invitae Variant Classification Sherloc (09022015). Collection method: clinical testing. Allele origin: germline.
Comment: This sequence change creates a premature translational stop signal (p.Val452Profs*6) in the FLCN gene. It is expected to result in an absent or disrupted protein product. Loss-of-function variants in FLCN are known to be pathogenic (PMID: 15852235). This variant is not present in population databases (gnomAD no frequency). This premature translational stop signal has been observed in individuals with Birt-Hogg-Dubé syndrome (PMID: 17496196, 27871249). This variant is also known as nt1795insCCACCCT. For these reasons, this variant has been classified as Pathogenic.

Division of Respiratory Medicine of Juntendo University, Juntendo University Faculty of Medicine and Graduate School of Medicine
Classification: Pathogenic for Birt-Hogg-Dube syndrome 1. Last evaluated: 2023-07-01. Review status: no assertion criteria provided. Collection method: clinical testing. Allele origin: germline. Affected: yes. Not counted in ClinVar's aggregate classification.

Literature cited by the submitters: PubMed 15852235 (cited by Labcorp Genetics (formerly Invitae), Labcorp); PubMed 17496196 (cited by Labcorp Genetics (formerly Invitae), Labcorp); PubMed 27871249 (cited by Labcorp Genetics (formerly Invitae), Labcorp).

NM_144997.7(FLCN):c.1347_1353dup (p.Val452fs)

Gene: FLCN (folliculin; minus strand). Cytogenetic location: 17p11.2.
Variant type: Microsatellite.
Coding change: c.1347_1353dup on transcript NM_144997.7 (MANE Select); coding-DNA positions 1347 to 1353, 7 bases duplicated (CCACCCT; older notation c.1347_1353dupCCACCCT).
Protein change: p.Val452fs; shifts the reading frame from valine 452.
Molecular consequence: frameshift variant.
Genome position (GRCh38, 1-based): chr17:17,215,264-17,215,270, AGGGTGG duplicated on the plus strand (CCACCCT on the coding strand, the reverse complement: FLCN is on the minus strand); duplicating any 7 consecutive bases within chr17:17,215,264-17,215,278 gives the same sequence; the c. name uses the placement nearest the transcript's 3' end. VCF-style (leftmost placement, unchanged base first): chr17-17215263-C-CAGGGTGG. GRCh37 (hg19) VCF-style: chr17-17118577-C-CAGGGTGG.
Other names: c.1347_1353dup, p.Val452fs (NM_001353231.2, NM_001353230.2); c.1401_1407dup, p.Val470fs (NM_001353229.2); short protein forms V452fs, V470fs.
Identifiers: ClinVar variation 1073198 (VCV001073198.7), dbSNP rs2046880504, ClinGen allele CA2250415790.